The following is an entry in ClinVar:

ClinVar aggregate classification (germline): Conflicting classifications of pathogenicity. Review status: criteria provided, conflicting classifications (1 of 4 stars). 7 submissions from 7 submitters: Uncertain significance (6); Likely benign (1). Last evaluated 2025-06-14.

Conditions:
Hereditary nonpolyposis colorectal neoplasms. Identifiers: MedGen C0009405, MeSH D003123.
Hereditary cancer-predisposing syndrome. Also called: Tumor predisposition; Neoplastic Syndromes, Hereditary; Hereditary neoplastic syndrome; Hereditary Cancer Syndrome. Identifiers: Orphanet 140162, MedGen C0027672, MeSH D009386, MONDO:0015356.
Lynch syndrome. Identifiers: Orphanet 144, MedGen C4552100, MONDO:0005835. Disease mechanism: loss of function.
Breast carcinoma. Also called: Carcinoma of breast. Identifiers: MedGen C0678222, MONDO:0004989, HP:0003002.

Allele frequency attached by ClinVar (database versions not stated): gnomAD exomes below 0.00001; gnomAD 0.00001; TOPMed 0.00001.
gnomAD v4.1: 6 of 1,613,792 alleles (0.00037%); highest among the groups gnomAD compares: African/African-American, 0.0027%; no homozygotes.

Submissions (7):

Labcorp Genetics (formerly Invitae), Labcorp
Classification: Likely benign for Hereditary nonpolyposis colorectal neoplasms. Last evaluated: 2025-06-14. Review status: criteria provided, single submitter. Criteria: Invitae Variant Classification Sherloc (09022015). Collection method: clinical testing. Allele origin: germline.

Ambry Genetics
Classification: Uncertain significance for Hereditary cancer-predisposing syndrome. Last evaluated: 2024-11-29. Review status: criteria provided, single submitter. Criteria: Ambry Variant Classification Scheme 2023. Collection method: clinical testing. Allele origin: germline.
Comment: The p.Y1298C variant (also known as c.3893A>G), located in coding exon 9 of the MSH6 gene, results from an A to G substitution at nucleotide position 3893. The tyrosine at codon 1298 is replaced by cysteine, an amino acid with highly dissimilar properties. This amino acid position is highly conserved in available vertebrate species. In addition, this alteration is predicted to be deleterious by in silico analysis. Based on the available evidence, the clinical significance of this variant remains unclear.

All of Us Research Program, National Institutes of Health
Classification: Uncertain significance for Lynch syndrome. Last evaluated: 2023-10-02. Review status: criteria provided, single submitter. Criteria: ACMG Guidelines, 2015. Collection method: clinical testing. Allele origin: germline. Inheritance: Autosomal dominant inheritance. Observed: 1 variant allele, 1 heterozygote.
Comment: This missense variant replaces tyrosine with cysteine at codon 1298 of the MSH6 protein. Computational prediction suggests that this variant may have deleterious impact on protein structure and function (internally defined REVEL score threshold >= 0.7, PMID: 27666373). To our knowledge, functional studies have not been reported for this variant. This variant has not been reported in individuals affected with MSH6-related disorders in the literature. This variant has been identified in 1/31392 chromosomes in the general population by the Genome Aggregation Database (gnomAD). The available evidence is insufficient to determine the role of this variant in disease conclusively. Therefore, this variant is classified as a Variant of Uncertain Significance.

This study involves interpretation of variants in research participants for the purpose of population health screening. Participant phenotype was not available at the time of variant classification. Additional details can be found in publication PMID: 35346344, PMCID: PMC8962531

Color Diagnostics, LLC DBA Color Health
Classification: Uncertain significance for Hereditary cancer-predisposing syndrome. Last evaluated: 2023-09-06. Review status: criteria provided, single submitter. Criteria: ACMG Guidelines, 2015. Collection method: clinical testing. Allele origin: germline.
Comment: This missense variant replaces tyrosine with cysteine at codon 1298 of the MSH6 protein. Computational prediction suggests that this variant may have deleterious impact on protein structure and function (internally defined REVEL score threshold >= 0.7, PMID: 27666373). To our knowledge, functional studies have not been reported for this variant. This variant has not been reported in individuals affected with MSH6-related disorders in the literature. This variant has been identified in 1/31392 chromosomes in the general population by the Genome Aggregation Database (gnomAD). The available evidence is insufficient to determine the role of this variant in disease conclusively. Therefore, this variant is classified as a Variant of Uncertain Significance.

Blueprint Genetics
Classification: Uncertain significance. Last evaluated: 2022-07-29. Review status: criteria provided, single submitter. Criteria: ACMG Guidelines, 2015. Collection method: clinical testing. Allele origin: germline.

GeneDx
Classification: Uncertain significance. Last evaluated: 2019-05-20. Review status: criteria provided, single submitter. Criteria: GeneDx Variant Classification Process June 2021. Collection method: clinical testing. Allele origin: germline. Affected: yes.
Comment: Not observed at a significant frequency in large population cohorts (Lek et al., 2016); Has not been previously published as pathogenic or benign to our knowledge

Institute of Human Genetics, University of Leipzig Medical Center
Classification: Uncertain significance for Breast carcinoma. Last evaluated: 2019-01-01. Review status: criteria provided, single submitter. Criteria: ACMG Guidelines, 2015. Collection method: clinical testing. Allele origin: unknown. Affected: no.

NM_000179.3(MSH6):c.3893A>G (p.Tyr1298Cys)

Gene: MSH6 (mutS homolog 6; plus strand). Cytogenetic location: 2p16.3.
Variant type: single nucleotide variant.
Coding change: c.3893A>G on transcript NM_000179.3 (MANE Select); coding-DNA position 3893, A replaced by G.
Protein change: p.Tyr1298Cys; replaces tyrosine 1298 with cysteine.
Molecular consequence: missense variant.
Genome position (GRCh38, 1-based): chr2:47,806,543, A>G. VCF-style: chr2-47806543-A-G. GRCh37 (hg19) VCF-style: chr2-48033682-A-G.
Other names: c.3503A>G, p.Tyr1168Cys (NM_001281492.2); c.2987A>G, p.Tyr996Cys (NM_001281493.2, NM_001281494.2); short protein forms Y1298C, Y996C, Y1168C.
Identifiers: ClinVar variation 185867 (VCV000185867.24), dbSNP rs786202520, ClinGen allele CA014634.